The following is an entry in ClinVar:

NM_001367561.1(DOCK7):c.2534T>C (p.Leu845Pro)

Gene: DOCK7 (dedicator of cytokinesis 7; minus strand). Cytogenetic location: 1p31.3.
Variant type: single nucleotide variant.
Coding change: c.2534T>C on transcript NM_001367561.1 (MANE Select); coding-DNA position 2534, T replaced by C.
Protein change: p.Leu845Pro; replaces leucine 845 with proline.
Molecular consequence: missense variant.
Genome position (GRCh38, 1-based): chr1:62,555,887, A>G on the plus strand (T>C on the coding strand, the complement: DOCK7 is on the minus strand). VCF-style: chr1-62555887-A-G. GRCh37 (hg19) VCF-style: chr1-63021558-A-G.
Other names: c.2534T>C, p.Leu845Pro (NM_001271999.2, NM_001272000.2, NM_001272001.2 and 2 more transcripts); short protein forms L845P.
Identifiers: ClinVar variation 1412560 (VCV001412560.3), dbSNP rs1391800815, ClinGen allele CA340623335.

ClinVar aggregate classification (germline): Uncertain significance (1 of 4 stars; one submission).

Conditions:
Developmental and epileptic encephalopathy, 23 (DEE23). Also called: Epileptic encephalopathy, early infantile, 23. Identifiers: Orphanet 411986, MedGen C4014492, MONDO:0014371, OMIM 615859.

Allele frequency attached by ClinVar (database versions not stated): gnomAD exomes below 0.00001; TOPMed below 0.00001.
gnomAD v4.1: 4 of 1,613,986 alleles (0.00025%); highest among the groups gnomAD compares: Non-Finnish European, 0.00034%; no homozygotes.

Submission:

Labcorp Genetics (formerly Invitae), Labcorp
Classification: Uncertain significance for Developmental and epileptic encephalopathy, 23. Last evaluated: 2022-01-11. Review status: criteria provided, single submitter. Criteria: Invitae Variant Classification Sherloc (09022015). Collection method: clinical testing. Allele origin: germline.
Comment: This sequence change replaces leucine, which is neutral and non-polar, with proline, which is neutral and non-polar, at codon 845 of the DOCK7 protein (p.Leu845Pro). This variant is not present in population databases (gnomAD no frequency). This variant has not been reported in the literature in individuals affected with DOCK7-related conditions. Algorithms developed to predict the effect of missense changes on protein structure and function are either unavailable or do not agree on the potential impact of this missense change (SIFT: "Deleterious"; PolyPhen-2: "Possibly Damaging"; Align-GVGD: "Class C0"). In summary, the available evidence is currently insufficient to determine the role of this variant in disease. Therefore, it has been classified as a Variant of Uncertain Significance.